The following is an entry in ClinVar:

ClinVar aggregate classification (germline): Uncertain significance (1 of 4 stars; one submission).

Submission:

GeneDx
Classification: Uncertain significance. Last evaluated: 2026-02-24. Review status: criteria provided, single submitter. Criteria: GeneDx Variant Classification Process June 2021. Collection method: clinical testing. Allele origin: germline.
Comment: Not observed at significant frequency in large population cohorts (gnomAD); In silico analysis supports that this missense variant has a deleterious effect on protein structure/function; Has not been previously published as pathogenic or benign to our knowledge

NM_001291415.2(KDM6A):c.352A>G (p.Arg118Gly)

Gene: KDM6A (lysine demethylase 6A; plus strand). Cytogenetic location: Xp11.3.
Variant type: single nucleotide variant.
Coding change: c.352A>G on transcript NM_001291415.2 (MANE Select); coding-DNA position 352, A replaced by G.
Protein change: p.Arg118Gly; replaces arginine 118 with glycine.
Molecular consequence: missense variant. On other transcripts: non-coding transcript variant (1), 5 prime UTR variant (1).
Genome position (GRCh38, 1-based): chrX:44,974,683, A>G. VCF-style: chrX-44974683-A-G. GRCh37 (hg19) VCF-style: chrX-44833928-A-G.
Other names: c.352A>G, p.Arg118Gly (NM_021140.4, NM_001291416.2, NM_001291417.2 and 9 more transcripts); c.-281A>G (NM_001291421.2); short protein forms R118G.
Identifiers: ClinVar variation 4072706 (VCV004072706.2).
Genomic context (GRCh38, chrX:44,974,683, plus strand): 5'-TAAAGTGAGACATAATTATGACTCATAATTATTTTCCTTTCAGCATTATCTGCATACCAG[A>G]GGTACTACAGTTTACAGTCTGACTACTGGAAGGTTAGTGTACATTTGCATGCTGATTTCA-3'
Protein context (NP_001278344.1, residues 108-128): DYPKALSAYQ[Arg118Gly]YYSLQSDYWK